The following is an entry in ClinVar:

NM_000489.6(ATRX):c.3075T>G (p.Ile1025Met)

Gene: ATRX (ATRX chromatin remodeler; minus strand). Cytogenetic location: Xq21.1.
Variant type: single nucleotide variant.
Coding change: c.3075T>G on transcript NM_000489.6 (MANE Select); coding-DNA position 3075, T replaced by G.
Protein change: p.Ile1025Met; replaces isoleucine 1025 with methionine.
Molecular consequence: missense variant.
Genome position (GRCh38, 1-based): chrX:77,682,181, A>C on the plus strand (T>G on the coding strand, the complement: ATRX is on the minus strand). VCF-style: chrX-77682181-A-C. GRCh37 (hg19) VCF-style: chrX-76937673-A-C.
Other names: c.2961T>G, p.Ile987Met (NM_138270.5); short protein forms I1025M, I987M.
Identifiers: ClinVar variation 1440076 (VCV001440076.6), dbSNP rs2148582142, ClinGen allele CA413708213.

ClinVar aggregate classification (germline): Uncertain significance (1 of 4 stars; one submission).

Conditions:
Alpha thalassemia-X-linked intellectual disability syndrome (ATRX). Also called: X-linked alpha-thalassemia-mental retardation syndrome; ALPHA-THALASSEMIA/IMPAIRED INTELLECTUAL DEVELOPMENT SYNDROME, X-LINKED; ALPHA-THALASSEMIA/MENTAL RETARDATION SYNDROME, X-LINKED; ATR, NONDELETION TYPE; ATR-X syndrome; Alpha thalassemia mental retardation syndrome, nondeletion type, X-linked. Identifiers: Orphanet 847, MedGen C1845055, MONDO:0010519, OMIM 301040.

Submission:

Labcorp Genetics (formerly Invitae), Labcorp
Classification: Uncertain significance for Alpha thalassemia-X-linked intellectual disability syndrome. Last evaluated: 2021-09-26. Review status: criteria provided, single submitter. Criteria: Invitae Variant Classification Sherloc (09022015). Collection method: clinical testing. Allele origin: germline.
Comment: This variant has not been reported in the literature in individuals affected with ATRX-related conditions. In summary, the available evidence is currently insufficient to determine the role of this variant in disease. Therefore, it has been classified as a Variant of Uncertain Significance. Advanced modeling of protein sequence and biophysical properties (such as structural, functional, and spatial information, amino acid conservation, physicochemical variation, residue mobility, and thermodynamic stability) performed at Invitae indicates that this missense variant is not expected to disrupt ATRX protein function. This variant is not present in population databases (ExAC no frequency). This sequence change replaces isoleucine with methionine at codon 1025 of the ATRX protein (p.Ile1025Met). The isoleucine residue is moderately conserved and there is a small physicochemical difference between isoleucine and methionine.